The following is an entry in ClinVar:

ClinVar aggregate classification (germline): Uncertain significance (1 of 4 stars; one submission).

gnomAD v4.1: 10 of 1,603,114 alleles (0.00062%); highest among the groups gnomAD compares: Admixed American, 0.0034%; no homozygotes.

Submission:

Labcorp Genetics (formerly Invitae), Labcorp
Classification: Uncertain significance. Last evaluated: 2024-04-27. Review status: criteria provided, single submitter. Criteria: Invitae Variant Classification Sherloc (09022015). Collection method: clinical testing. Allele origin: germline.
Comment: This sequence change replaces alanine, which is neutral and non-polar, with threonine, which is neutral and polar, at codon 328 of the TNFAIP3 protein (p.Ala328Thr). The frequency data for this variant in the population databases is considered unreliable, as metrics indicate poor data quality at this position in the gnomAD database. This variant has not been reported in the literature in individuals affected with TNFAIP3-related conditions. Advanced modeling of protein sequence and biophysical properties (such as structural, functional, and spatial information, amino acid conservation, physicochemical variation, residue mobility, and thermodynamic stability) performed at Invitae indicates that this missense variant is expected to disrupt TNFAIP3 protein function with a positive predictive value of 80%. In summary, the available evidence is currently insufficient to determine the role of this variant in disease. Therefore, it has been classified as a Variant of Uncertain Significance.

NM_001270508.2(TNFAIP3):c.982G>A (p.Ala328Thr)

Gene: TNFAIP3 (TNF alpha induced protein 3; plus strand). Cytogenetic location: 6q23.3.
Variant type: single nucleotide variant.
Coding change: c.982G>A on transcript NM_001270508.2 (MANE Select); coding-DNA position 982, G replaced by A.
Protein change: p.Ala328Thr; replaces alanine 328 with threonine.
Molecular consequence: missense variant.
Genome position (GRCh38, 1-based): chr6:137,877,252, G>A. VCF-style: chr6-137877252-G-A. GRCh37 (hg19) VCF-style: chr6-138198389-G-A.
Other names: c.982G>A, p.Ala328Thr (NM_001270507.2, NM_006290.4); short protein forms A328T.
Identifiers: ClinVar variation 3676123 (VCV003676123.2).
Genomic context (GRCh38, chr6:137,877,252, plus strand): 5'-ATGGTGATAGAAATCCCCGTCCAAGGCTGGGACCATGGCACAACTCATCTCATCAATGCC[G>A]CAAAGTAAGCAGTTTATGTTCAGCTCTCTCCTGTGTCATCTGTAACTGTCTTTAACCTCA-3'
Protein context (NP_001257437.1, residues 318-338): DHGTTHLINA[Ala328Thr]KLDEANLPKE